The following is an entry in ClinVar:

NM_006828.4(ASCC3):c.3861T>C (p.Phe1287=)

Gene: ASCC3 (activating signal cointegrator 1 complex subunit 3; minus strand). Cytogenetic location: 6q16.3.
Variant type: single nucleotide variant.
Coding change: c.3861T>C on transcript NM_006828.4 (MANE Select); coding-DNA position 3861, T replaced by C.
Protein change: p.Phe1287=; no amino-acid change (phenylalanine 1287 retained).
Molecular consequence: synonymous variant.
Genome position (GRCh38, 1-based): chr6:100,642,621, A>G on the plus strand (T>C on the coding strand, the complement: ASCC3 is on the minus strand). VCF-style: chr6-100642621-A-G. GRCh37 (hg19) VCF-style: chr6-101090497-A-G.
Other names: c.3861T>C (NM_006828.3).
Identifiers: ClinVar variation 4821409 (VCV004821409.5).

ClinVar aggregate classification (germline): Likely benign. Review status: criteria provided, multiple submitters, no conflicts (2 of 4 stars). 2 submissions from 2 submitters: Likely benign (2). Last evaluated 2026-03-01.

Conditions:
ASCC3-related condition.

gnomAD v4.1: 425 of 1,613,968 alleles (0.026%); highest among the groups gnomAD compares: African/African-American, 0.49%; 2 homozygotes.

Submissions (2):

CeGaT Center for Human Genetics Tuebingen
Classification: Likely benign. Last evaluated: 2026-03-01. Review status: criteria provided, single submitter. Criteria: CeGaT Center For Human Genetics Tuebingen Variant Classification Criteria Version 2. Collection method: clinical testing. Allele origin: germline. Affected: yes. Observed: 1 variant allele.
Comment: ASCC3: BP4, BP7

PreventionGenetics, part of Exact Sciences
Classification: Likely benign for ASCC3-related condition. Last evaluated: 2025-02-08. Review status: criteria provided, single submitter. Criteria: ACMG Guidelines, 2015. Collection method: clinical testing. Allele origin: germline.
Comment: This variant is classified as likely benign based on ACMG/AMP sequence variant interpretation guidelines (Richards et al. 2015 PMID: 25741868, with internal and published modifications).